The following is an entry in ClinVar:

ClinVar aggregate classification (germline): Uncertain significance (1 of 4 stars; one submission).

Conditions:
Mucopolysaccharidosis type 7 (MPS7). Also called: GUSB DEFICIENCY; SLY SYNDROME; MPS VII; BETA-GLUCURONIDASE DEFICIENCY. Identifiers: Orphanet 584, MedGen C0085132, MONDO:0009662, OMIM 253220.

Submission:

Labcorp Genetics (formerly Invitae), Labcorp
Classification: Uncertain significance for Mucopolysaccharidosis type 7. Last evaluated: 2025-07-10. Review status: criteria provided, single submitter. Criteria: Invitae Variant Classification Sherloc (09022015). Collection method: clinical testing. Allele origin: germline.
Comment: This variant, c.464_475del, is a complex sequence change that results in the deletion of 5 and insertion of 1 amino acid(s) in the GUSB protein (p.Asn155_Val159delinsMet). This variant is not present in population databases (gnomAD no frequency). This variant has not been reported in the literature in individuals affected with GUSB-related conditions. ClinVar contains an entry for this variant (Variation ID: 2055365). Experimental studies and prediction algorithms are not available or were not evaluated, and the functional significance of this variant is currently unknown. In summary, the available evidence is currently insufficient to determine the role of this variant in disease. Therefore, it has been classified as a Variant of Uncertain Significance.

NM_000181.4(GUSB):c.464_475del (p.Asn155_Val159delinsMet)

Gene: GUSB (glucuronidase beta; minus strand). Cytogenetic location: 7q11.21.
Variant type: Deletion.
Coding change: c.464_475del on transcript NM_000181.4 (MANE Select); coding-DNA positions 464 to 475, 12 bases deleted (ACCTGGTCCAGG).
Protein change: p.Asn155_Val159delinsMet.
Molecular consequence: inframe indel. On other transcripts: non-coding transcript variant (1), intron variant (2), splice donor variant (1).
Genome position (GRCh38, 1-based): chr7:65,979,833-65,979,844, CCTGGACCAGGT deleted on the plus strand (ACCTGGTCCAGG on the coding strand, the reverse complement: GUSB is on the minus strand). VCF-style (leftmost placement, unchanged base first): chr7-65979832-ACCTGGACCAGGT-A. GRCh37 (hg19) VCF-style: chr7-65444819-ACCTGGACCAGGT-A.
Other names: c.67+380_67+391del (NM_001293105.2); c.12-303_12-292del (NM_001293104.2); c.464_474+1del (NM_001284290.2).
Identifiers: ClinVar variation 2055365 (VCV002055365.4), dbSNP rs2484841454, ClinGen allele CA2580077315.